The following is an entry in ClinVar:

ClinVar aggregate classification (germline): Uncertain significance. Review status: criteria provided, multiple submitters, no conflicts (2 of 4 stars). 6 submissions from 6 submitters: Uncertain significance (4). 2 of the submissions do not count toward it. Last evaluated 2024-10-03.

Conditions:
Inborn genetic diseases. Identifiers: MedGen C0950123, MeSH D030342.

Allele frequency attached by ClinVar (database versions not stated): 1000 Genomes Project 30x 0.00016; 1000 Genomes Project 0.00020; gnomAD exomes 0.00039 and 0.00081; ExAC 0.00041; TOPMed 0.00041; gnomAD 0.00046; ESP Exome Variant Server 0.00092.
gnomAD v4.1: 1,226 of 1,612,866 alleles (0.076%); highest among the groups gnomAD compares: Non-Finnish European, 0.099%; 2 homozygotes.

Submissions (6):

Blueprint Genetics
Classification: Uncertain significance. Last evaluated: 2024-10-03. Review status: criteria provided, single submitter. Criteria: ACMG Guidelines, 2015. Collection method: clinical testing. Allele origin: germline.

GeneDx
Classification: Uncertain significance. Last evaluated: 2024-02-22. Review status: criteria provided, single submitter. Criteria: GeneDx Variant Classification Process June 2021. Collection method: clinical testing. Allele origin: germline. Affected: yes.
Comment: In silico analysis supports that this missense variant does not alter protein structure/function; This variant is associated with the following publications: (PMID: 32379725)

Labcorp Genetics (formerly Invitae), Labcorp
Classification: Uncertain significance. Last evaluated: 2022-10-05. Review status: criteria provided, single submitter. Criteria: Invitae Variant Classification Sherloc (09022015). Collection method: clinical testing. Allele origin: germline.
Comment: This sequence change replaces arginine, which is basic and polar, with glutamine, which is neutral and polar, at codon 110 of the RBBP8 protein (p.Arg110Gln). This variant is present in population databases (rs149842490, gnomAD 0.07%). This variant has not been reported in the literature in individuals affected with RBBP8-related conditions. ClinVar contains an entry for this variant (Variation ID: 1206084). Advanced modeling of protein sequence and biophysical properties (such as structural, functional, and spatial information, amino acid conservation, physicochemical variation, residue mobility, and thermodynamic stability) performed at Invitae indicates that this missense variant is expected to disrupt RBBP8 protein function. In summary, the available evidence is currently insufficient to determine the role of this variant in disease. Therefore, it has been classified as a Variant of Uncertain Significance.

Ambry Genetics
Classification: Uncertain significance for Inborn genetic diseases. Last evaluated: 2021-07-01. Review status: criteria provided, single submitter. Criteria: Ambry Variant Classification Scheme 2023. Collection method: clinical testing. Allele origin: germline.

Clinical Genetics DNA and cytogenetics Diagnostics Lab, Erasmus MC, Erasmus Medical Center
Classification: Uncertain significance. Review status: no assertion criteria provided. Collection method: clinical testing. Allele origin: germline. Affected: yes. Study: VKGL Data-share Consensus. Not counted in ClinVar's aggregate classification.

Laboratory of Diagnostic Genome Analysis, Leiden University Medical Center (LUMC)
Classification: Uncertain significance. Review status: no assertion criteria provided. Collection method: clinical testing. Allele origin: germline. Affected: yes. Study: VKGL Data-share Consensus. Not counted in ClinVar's aggregate classification.

NM_002894.3(RBBP8):c.329G>A (p.Arg110Gln)

Gene: RBBP8 (RB binding protein 8, endonuclease; plus strand). Cytogenetic location: 18q11.2.
Variant type: single nucleotide variant.
Coding change: c.329G>A on transcript NM_002894.3 (MANE Select); coding-DNA position 329, G replaced by A.
Protein change: p.Arg110Gln; replaces arginine 110 with glutamine.
Molecular consequence: missense variant.
Genome position (GRCh38, 1-based): chr18:22,968,886, G>A. VCF-style: chr18-22968886-G-A. GRCh37 (hg19) VCF-style: chr18-20548849-G-A.
Other names: c.329G>A, p.Arg110Gln (NM_203291.2, NM_203292.2); short protein forms R110Q.
Identifiers: ClinVar variation 1206084 (VCV001206084.9), dbSNP rs149842490, ClinGen allele CA8909778.